The following is an entry in ClinVar:

ClinVar aggregate classification (germline): Uncertain significance (1 of 4 stars; one submission).

Conditions:
Inborn genetic diseases. Identifiers: MedGen C0950123, MeSH D030342.

Allele frequency attached by ClinVar (database versions not stated): gnomAD exomes below 0.00001.

Submission:

Ambry Genetics
Classification: Uncertain significance for Inborn genetic diseases. Last evaluated: 2024-02-29. Review status: criteria provided, single submitter. Criteria: Ambry Variant Classification Scheme 2023. Collection method: clinical testing. Allele origin: germline.
Comment: The p.E2396G variant (also known as c.7187A>G), located in coding exon 42 of the ATR gene, results from an A to G substitution at nucleotide position 7187. The glutamic acid at codon 2396 is replaced by glycine, an amino acid with similar properties. This amino acid position is conserved. In addition, the in silico prediction for this alteration is inconclusive. Based on the available evidence, the clinical significance of this alteration remains unclear.

NM_001184.4(ATR):c.7187A>G (p.Glu2396Gly)

Gene: ATR (ATR checkpoint kinase; minus strand). Cytogenetic location: 3q23.
Variant type: single nucleotide variant.
Coding change: c.7187A>G on transcript NM_001184.4 (MANE Select); coding-DNA position 7187, A replaced by G.
Protein change: p.Glu2396Gly; replaces glutamic acid 2396 with glycine.
Molecular consequence: missense variant.
Genome position (GRCh38, 1-based): chr3:142,461,945, T>C on the plus strand (A>G on the coding strand, the complement: ATR is on the minus strand). VCF-style: chr3-142461945-T-C. GRCh37 (hg19) VCF-style: chr3-142180787-T-C.
Other names: c.6995A>G, p.Glu2332Gly (NM_001354579.2); short protein forms E2332G, E2396G.
Identifiers: ClinVar variation 3221281 (VCV003221281.1), dbSNP rs2473047542, ClinGen allele CA354799009.
Genomic context (GRCh38, chr3:142,461,945, plus strand): 5'-CATATTATATAACTTAGTACCCACACTGTATATGTATAAGAATTAATTTTAGTACCCTTT[T>C]CTTTATATAGTTTGGTCAGAATAGGTCTCAAACCAGCAGTGTTGTTCACCCATTCAATAA-3'
Protein context (NP_001175.2, residues 2386-2406): LRPILTKLYK[Glu2396Gly]KGVYMTGKEL